The following is an entry in ClinVar:

NM_152384.3(BBS5):c.325A>G (p.Ile109Val)

Gene: BBS5 (Bardet-Biedl syndrome 5; plus strand). Cytogenetic location: 2q31.1.
Variant type: single nucleotide variant.
Coding change: c.325A>G on transcript NM_152384.3 (MANE Select); coding-DNA position 325, A replaced by G.
Protein change: p.Ile109Val; replaces isoleucine 109 with valine.
Molecular consequence: missense variant.
Genome position (GRCh38, 1-based): chr2:169,488,053, A>G. VCF-style: chr2-169488053-A-G. GRCh37 (hg19) VCF-style: chr2-170344563-A-G.
Other names: c.325A>G (NM_152384.2); short protein forms I109V.
Identifiers: ClinVar variation 1413888 (VCV001413888.8), dbSNP rs758307712, ClinGen allele CA1956185.

ClinVar aggregate classification (germline): Uncertain significance. Review status: criteria provided, multiple submitters, no conflicts (2 of 4 stars). 4 submissions from 4 submitters: Uncertain significance (4). Last evaluated 2025-12-30.

Conditions:
Bardet-Biedl syndrome 5 (BBS5). Identifiers: Orphanet 110, MedGen C3892039, MONDO:0014434, OMIM 615983.
BBS5-related disorder. Also called: BBS5-related condition.
Bardet-Biedl syndrome (BBS). Identifiers: Orphanet 110, MedGen C0752166, MONDO:0015229.

Allele frequency attached by ClinVar (database versions not stated): gnomAD 0.00001; gnomAD exomes 0.00001; TOPMed 0.00001; ExAC 0.00002.

Submissions (4):

PreventionGenetics, part of Exact Sciences
Classification: Uncertain significance for BBS5-related condition. Last evaluated: 2025-12-30. Review status: criteria provided, single submitter. Criteria: ACMG Guidelines, 2015. Collection method: clinical testing. Allele origin: germline.
Comment: The BBS5 c.325A>G variant is predicted to result in the amino acid substitution p.Ile109Val. To our knowledge, this variant has not been reported in the literature. This variant is reported in 0.0031% of alleles in individuals of European (Non-Finnish) descent in gnomAD. At this time, the clinical significance of this variant is uncertain due to the absence of conclusive functional and genetic evidence.

Blueprint Genetics
Classification: Uncertain significance. Last evaluated: 2023-09-25. Review status: criteria provided, single submitter. Criteria: ACMG Guidelines, 2015. Collection method: clinical testing. Allele origin: germline.

Labcorp Genetics (formerly Invitae), Labcorp
Classification: Uncertain significance for Bardet-Biedl syndrome. Last evaluated: 2022-07-12. Review status: criteria provided, single submitter. Criteria: Invitae Variant Classification Sherloc (09022015). Collection method: clinical testing. Allele origin: germline.
Comment: This sequence change replaces isoleucine, which is neutral and non-polar, with valine, which is neutral and non-polar, at codon 109 of the BBS5 protein (p.Ile109Val). The frequency data for this variant in the population databases is considered unreliable, as metrics indicate poor data quality at this position in the gnomAD database. This variant has not been reported in the literature in individuals affected with BBS5-related conditions. ClinVar contains an entry for this variant (Variation ID: 1413888). Algorithms developed to predict the effect of missense changes on protein structure and function are either unavailable or do not agree on the potential impact of this missense change (SIFT: "Tolerated"; PolyPhen-2: "Possibly Damaging"; Align-GVGD: "Class C15"). In summary, the available evidence is currently insufficient to determine the role of this variant in disease. Therefore, it has been classified as a Variant of Uncertain Significance.

Fulgent Genetics
Classification: Uncertain significance for Bardet-Biedl syndrome 5. Last evaluated: 2022-05-13. Review status: criteria provided, single submitter. Criteria: ACMG Guidelines, 2015. Collection method: clinical testing. Allele origin: unknown.